The following is an entry in ClinVar:

NM_014159.7(SETD2):c.1295G>C (p.Arg432Pro)

Gene: SETD2 (SET domain containing 2, histone lysine methyltransferase; minus strand). Cytogenetic location: 3p21.31.
Variant type: single nucleotide variant.
Coding change: c.1295G>C on transcript NM_014159.7 (MANE Select); coding-DNA position 1295, G replaced by C.
Protein change: p.Arg432Pro; replaces arginine 432 with proline.
Molecular consequence: missense variant. On other transcripts: non-coding transcript variant (1).
Genome position (GRCh38, 1-based): chr3:47,123,341, C>G on the plus strand (G>C on the coding strand, the complement: SETD2 is on the minus strand). VCF-style: chr3-47123341-C-G. GRCh37 (hg19) VCF-style: chr3-47164831-C-G.
Other names: c.1163G>C, p.Arg388Pro (NM_001349370.3); short protein forms R388P, R432P.
Identifiers: ClinVar variation 5006627 (VCV005006627.2).

ClinVar aggregate classification (germline): Uncertain significance (1 of 4 stars; one submission).

Conditions:
Rabin-Pappas syndrome. Identifiers: MedGen C5774269, MONDO:0859331, OMIM 620155.
Intellectual developmental disorder, autosomal dominant 70. Identifiers: MedGen C5774271, MONDO:0859333, OMIM 620157.
Luscan-Lumish syndrome. Identifiers: Orphanet 597738, MedGen C4085873, MONDO:0014791, OMIM 616831.

Submission:

Juno Genomics, Hangzhou Juno Genomics, Inc
Classification: Uncertain significance for Intellectual developmental disorder, autosomal dominant 70; Rabin-Pappas syndrome; Luscan-Lumish syndrome. Review status: criteria provided, single submitter. Criteria: ACMG Guidelines, 2015. Collection method: clinical testing. Allele origin: germline.
Comment: Absent from controls (or at extremely low frequency if recessive) in Genome Aggregation Database.;Missense variant in a gene that has a low rate of benign missense variation.